The following is an entry in ClinVar:

NM_153700.2(STRC):c.451G>C (p.Gly151Arg)

Gene: STRC (stereocilin; minus strand). Cytogenetic location: 15q15.3.
Variant type: single nucleotide variant.
Coding change: c.451G>C on transcript NM_153700.2 (MANE Select); coding-DNA position 451, G replaced by C.
Protein change: p.Gly151Arg; replaces glycine 151 with arginine.
Molecular consequence: missense variant.
Genome position (GRCh38, 1-based): chr15:43,617,970, C>G on the plus strand (G>C on the coding strand, the complement: STRC is on the minus strand). VCF-style: chr15-43617970-C-G. GRCh37 (hg19) VCF-style: chr15-43910168-C-G.
Other names: short protein forms G151R.
Identifiers: ClinVar variation 2468641 (VCV002468641.3), dbSNP rs368118296, ClinGen allele CA7528461.
Genomic context (GRCh38, chr15:43,617,970, plus strand): 5'-GGACACAGTCAGACGGCCCATCACGGGTGCATGGGGGCCGAGTTGGGGTAGGGGGGCCCC[C>G]AGGAACTAAGGCTCCCAGCAGCACCTCCACAAGTCCACCCAGCACCCCTGCCTGGTGCAC-3'
Protein context (NP_714544.1, residues 141-161): VEVLLGALVP[Gly151Arg]GPPTPTRPPC

ClinVar aggregate classification (germline): Uncertain significance. Review status: criteria provided, multiple submitters, no conflicts (2 of 4 stars). 2 submissions from 2 submitters: Uncertain significance (2). Last evaluated 2026-01-05.

Conditions:
STRC-related disorder. Also called: STRC-related condition.
Inborn genetic diseases. Identifiers: MedGen C0950123, MeSH D030342.

Allele frequency attached by ClinVar (database versions not stated): gnomAD 0.00016; ExAC 0.00018; ESP Exome Variant Server 0.00023; 1000 Genomes Project 0.00040; 1000 Genomes Project 30x 0.00047.

Submissions (2):

PreventionGenetics, part of Exact Sciences
Classification: Uncertain significance for STRC-related condition. Last evaluated: 2026-01-05. Review status: criteria provided, single submitter. Criteria: ACMG Guidelines, 2015. Collection method: clinical testing. Allele origin: germline.
Comment: The STRC c.451G>C variant is predicted to result in the amino acid substitution p.Gly151Arg. To our knowledge, this variant has not been reported in the literature. This variant is reported in 0.093% of alleles in individuals of African descent in gnomAD, but this data may be inaccurate due to misalignment of NGS reads between the functional and pseudogene. Although we suspect that this variant may be benign, at this time, the clinical significance of this variant is uncertain due to the absence of conclusive functional and genetic evidence.

Ambry Genetics
Classification: Uncertain significance for Inborn genetic diseases. Last evaluated: 2023-02-13. Review status: criteria provided, single submitter. Criteria: Ambry Variant Classification Scheme 2023. Collection method: clinical testing. Allele origin: germline.